The following is an entry in ClinVar:

NM_000182.5(HADHA):c.1177A>G (p.Thr393Ala)

Genes: GAREM2 (GRB2 associated regulator of MAPK1 subtype 2; plus strand), HADHA (hydroxyacyl-CoA dehydrogenase trifunctional multienzyme complex subunit alpha; minus strand). Cytogenetic location: 2p23.3.
Variant type: single nucleotide variant.
Coding change: c.1177A>G on transcript NM_000182.5 (MANE Select); coding-DNA position 1177, A replaced by G.
Protein change: p.Thr393Ala; replaces threonine 393 with alanine.
Molecular consequence: missense variant.
Genome position (GRCh38, 1-based): chr2:26,204,105, T>C on the plus strand (A>G on the coding strand, the complement: HADHA is on the minus strand). VCF-style: chr2-26204105-T-C. GRCh37 (hg19) VCF-style: chr2-26426974-T-C.
Other names: p.Thr393Ala; short protein forms T393A.
Identifiers: ClinVar variation 4542543 (VCV004542543.1).
Genomic context (GRCh38, chr2:26,204,105, plus strand): 5'-AGAGAGAGCAGGCTTACCCTTTGAACACTTGTTGCTGTCCTCGGTCTAGCGCAGTGAGGG[T>C]GGCATCTTTAAGTATAGTCTTTAGCCCCTTATCCACGGAGACTTGGGCGATGCCTGCTCC-3'
Protein context (NP_000173.2, residues 383-403): KGLKTILKDA[Thr393Ala]LTALDRGQQQ

ClinVar aggregate classification (germline): Uncertain significance (1 of 4 stars; one submission).

gnomAD v4.1: 45 of 1,613,794 alleles (0.0028%); highest among the groups gnomAD compares: Non-Finnish European, 0.0036%; no homozygotes.

Submission:

Mayo Clinic Laboratories, Mayo Clinic
Classification: Uncertain significance. Last evaluated: 2024-11-14. Review status: criteria provided, single submitter. Criteria: ACMG Guidelines, 2015. Collection method: clinical testing. Allele origin: germline. Observed: 1 variant allele.
Comment: BP4